The following is an entry in ClinVar:

NM_000363.5(TNNI3):c.524A>G (p.Gln175Arg)

Gene: TNNI3 (troponin I3, cardiac type; minus strand). Cytogenetic location: 19q13.42.
Variant type: single nucleotide variant.
Coding change: c.524A>G on transcript NM_000363.5 (MANE Select); coding-DNA position 524, A replaced by G.
Protein change: p.Gln175Arg; replaces glutamine 175 with arginine.
Molecular consequence: missense variant.
Genome position (GRCh38, 1-based): chr19:55,154,055, T>C on the plus strand (A>G on the coding strand, the complement: TNNI3 is on the minus strand). VCF-style: chr19-55154055-T-C. GRCh37 (hg19) VCF-style: chr19-55665423-T-C.
Other names: short protein forms Q175R.
Identifiers: ClinVar variation 2708720 (VCV002708720.3), dbSNP rs2515498269, ClinGen allele CA407440274.
Genomic context (GRCh38, chr19:55,154,055, plus strand): 5'-CAGCATCCTCTTTCCTGGCCTTAGCCCACACTCACCTTCTCGGTGTCCTCCTTCTTCACC[T>C]GCTTGAGGTGGGCCCGCAGGTCCAGGGACTCCTTAGCCCGGGCCCCCAGCAGCGCCTGCA-3'
Protein context (NP_000354.4, residues 165-185): ESLDLRAHLK[Gln175Arg]VKKEDTEKEN

ClinVar aggregate classification (germline): Uncertain significance (1 of 4 stars; one submission).

Conditions:
Hypertrophic cardiomyopathy. Also called: HYPERTROPHIC MYOCARDIOPATHY. Identifiers: Orphanet 217569, MedGen C0007194, MeSH D002312, MONDO:0005045, HP:0001639.

Submission:

Labcorp Genetics (formerly Invitae), Labcorp
Classification: Uncertain significance for Hypertrophic cardiomyopathy. Last evaluated: 2024-01-10. Review status: criteria provided, single submitter. Criteria: Invitae Variant Classification Sherloc (09022015). Collection method: clinical testing. Allele origin: germline.
Comment: This sequence change replaces glutamine, which is neutral and polar, with arginine, which is basic and polar, at codon 175 of the TNNI3 protein (p.Gln175Arg). This variant is not present in population databases (gnomAD no frequency). This variant has not been reported in the literature in individuals affected with TNNI3-related conditions. An algorithm developed to predict the effect of missense changes on protein structure and function (PolyPhen-2) suggests that this variant is likely to be disruptive. This variant disrupts the p.Gln175 amino acid residue in TNNI3. Other variant(s) that disrupt this residue have been determined to be pathogenic (Invitae). This suggests that this residue is clinically significant, and that variants that disrupt this residue are likely to be disease-causing. In summary, the available evidence is currently insufficient to determine the role of this variant in disease. Therefore, it has been classified as a Variant of Uncertain Significance.